The following is an entry in ClinVar:

NM_000133.4(F9):c.278-3A>G

Gene: F9 (coagulation factor IX; plus strand). Cytogenetic location: Xq27.1.
Variant type: single nucleotide variant.
Coding change: c.278-3A>G on transcript NM_000133.4 (MANE Select); 3 bases into the intron before coding-DNA position 278, A replaced by G.
Molecular consequence: intron variant.
Genome position (GRCh38, 1-based): chrX:139,541,073, A>G. VCF-style: chrX-139541073-A-G. GRCh37 (hg19) VCF-style: chrX-138623232-A-G.
Other names: F9, IVS3, A-G, -3; IVS3, A-G, -3; c.277+3687A>G (NM_001313913.2).
Identifiers: ClinVar variation 92225 (VCV000092225.8), dbSNP rs398122990, ClinGen allele CA285284.

ClinVar aggregate classification (germline): Pathogenic. Review status: criteria provided, single submitter (1 of 4 stars). 3 submissions from 3 submitters: Pathogenic (1). 2 of the submissions do not count toward it. Last evaluated 2021-03-29.

Conditions:
Hereditary factor IX deficiency disease (HEMB). Also called: Christmas Disease; F9 DEFICIENCY; FACTOR IX DEFICIENCY; PLASMA THROMBOPLASTIN COMPONENT DEFICIENCY; Hemophilia B. Identifiers: Orphanet 98879, MedGen C0008533, MeSH D002836, MONDO:0010604, OMIM 306900.
Thrombophilia, X-linked, due to factor 9 defect. Identifiers: MedGen C2749016, MONDO:0010432, OMIM 300807.

Allele frequency attached by ClinVar (database versions not stated): gnomAD exomes below 0.00001; TOPMed 0.00002.
gnomAD v4.1: 1 of 1,181,579 alleles (0.000085%); highest among the groups gnomAD compares: Non-Finnish European, 0.00011%; no homozygotes.

Submissions (3):

Labcorp Genetics (formerly Invitae), Labcorp
Classification: Pathogenic for Thrombophilia, X-linked, due to factor 9 defect; Hereditary factor IX deficiency disease. Last evaluated: 2021-03-29. Review status: criteria provided, single submitter. Criteria: Invitae Variant Classification Sherloc (09022015). Collection method: clinical testing. Allele origin: germline.
Comment: For these reasons, this variant has been classified as Pathogenic. Experimental studies have shown that this variant disrupts mRNA splicing and is expected to lead to the loss of protein expression (PMID: 19815722, 28834196). This variant has been observed in individual(s) with hemophilia B (PMID: 28834196, 18624698, 8434583). This variant is also known as IVS3-3A>G and 10389A>G. ClinVar contains an entry for this variant (Variation ID: 92225). This variant is not present in population databases (ExAC no frequency). This sequence change falls in intron 3 of the F9 gene. It does not directly change the encoded amino acid sequence of the F9 protein, but it affects a nucleotide within the consensus splice site of the intron. RNA analysis indicates that this variant induces altered splicing and may result in an absent or disrupted protein product.

OMIM
Classification: Pathogenic for HEMOPHILIA B. Last evaluated: 2009-11-06. Review status: no assertion criteria provided. Collection method: literature only. Allele origin: germline. Not counted in ClinVar's aggregate classification.

SNPedia
No classification provided. Condition: Hereditary factor IX deficiency disease. Review status: no classification provided. Collection method: not provided. Allele origin: germline. Not counted in ClinVar's aggregate classification.

Literature cited by the submitters: PubMed 19815722 (cited by Labcorp Genetics (formerly Invitae), Labcorp and OMIM); PubMed 28834196 (cited by Labcorp Genetics (formerly Invitae), Labcorp); PubMed 18624698 (cited by Labcorp Genetics (formerly Invitae), Labcorp); PubMed 8434583 (cited by Labcorp Genetics (formerly Invitae), Labcorp).